The following is an entry in ClinVar:

NM_032590.5(KDM2B):c.881G>A (p.Arg294Gln)

Gene: KDM2B (lysine demethylase 2B; minus strand). Cytogenetic location: 12q24.31.
Variant type: single nucleotide variant.
Coding change: c.881G>A on transcript NM_032590.5 (MANE Select); coding-DNA position 881, G replaced by A.
Protein change: p.Arg294Gln; replaces arginine 294 with glutamine.
Molecular consequence: missense variant.
Genome position (GRCh38, 1-based): chr12:121,532,856, C>T on the plus strand (G>A on the coding strand, the complement: KDM2B is on the minus strand). VCF-style: chr12-121532856-C-T. GRCh37 (hg19) VCF-style: chr12-121970761-C-T.
Other names: c.788G>A, p.Arg263Gln (NM_001005366.2); short protein forms R263Q, R294Q.
Identifiers: ClinVar variation 3533023 (VCV003533023.2).
Genomic context (GRCh38, chr12:121,532,856, plus strand): 5'-GGAAACCTACCGGAAGGGATGAAAAATGTGTAGCCCTGCTTCAGCTCAATTCTTTGGCAT[C>T]GTTCCACACGGTCTCCCAGAAAGATGTCACTCTGTTTGCCTGACAGCACCCACTCCTCGT-3'
Protein context (NP_115979.3, residues 284-304): SDIFLGDRVE[Arg294Gln]CQRIELKQGY

ClinVar aggregate classification (germline): Uncertain significance. Review status: criteria provided, multiple submitters, no conflicts (2 of 4 stars). 2 submissions from 2 submitters: Uncertain significance (2). Last evaluated 2025-05-13.

Conditions:
Inborn genetic diseases. Identifiers: MedGen C0950123, MeSH D030342.

gnomAD v4.1: 6 of 1,614,106 alleles (0.00037%); highest among the groups gnomAD compares: South Asian, 0.0011%; no homozygotes.

Submissions (2):

Labcorp Genetics (formerly Invitae), Labcorp
Classification: Uncertain significance. Last evaluated: 2025-05-13. Review status: criteria provided, single submitter. Criteria: Invitae Variant Classification Sherloc (09022015). Collection method: clinical testing. Allele origin: germline.
Comment: This sequence change replaces arginine, which is basic and polar, with glutamine, which is neutral and polar, at codon 294 of the KDM2B protein (p.Arg294Gln). This variant is present in population databases (rs373020484, gnomAD 0.002%). This variant has not been reported in the literature in individuals affected with KDM2B-related conditions. ClinVar contains an entry for this variant (Variation ID: 3533023). An algorithm developed to predict the effect of missense changes on protein structure and function outputs the following: PolyPhen-2: "Benign". The glutamine amino acid residue is found in multiple mammalian species, which suggests that this missense change does not adversely affect protein function. In summary, the available evidence is currently insufficient to determine the role of this variant in disease. Therefore, it has been classified as a Variant of Uncertain Significance.

Ambry Genetics
Classification: Uncertain significance for Inborn genetic diseases. Last evaluated: 2024-08-28. Review status: criteria provided, single submitter. Criteria: Ambry Variant Classification Scheme 2023. Collection method: clinical testing. Allele origin: germline.